The following is an entry in ClinVar:

NM_021619.3(PRDM12):c.127A>G (p.Asn43Asp)

Gene: PRDM12 (PR/SET domain 12; plus strand). Cytogenetic location: 9q34.12.
Variant type: single nucleotide variant.
Coding change: c.127A>G on transcript NM_021619.3 (MANE Select); coding-DNA position 127, A replaced by G.
Protein change: p.Asn43Asp; replaces asparagine 43 with aspartic acid.
Molecular consequence: missense variant.
Genome position (GRCh38, 1-based): chr9:130,664,780, A>G. VCF-style: chr9-130664780-A-G. GRCh37 (hg19) VCF-style: chr9-133540167-A-G.
Other names: p.Asn43Asp; short protein forms N43D.
Identifiers: ClinVar variation 1479110 (VCV001479110.30), dbSNP rs149449772, ClinGen allele CA5284466.

ClinVar aggregate classification (germline): Uncertain significance. Review status: criteria provided, multiple submitters, no conflicts (2 of 4 stars). 6 submissions from 6 submitters: Uncertain significance (6). Last evaluated 2024-11-13.

Conditions:
Congenital insensitivity to pain-hypohidrosis syndrome. Also called: Neuropathy, hereditary sensory and autonomic, type VIII; HSAN VIII. Identifiers: Orphanet 478664, MedGen C4225308, MONDO:0014662, OMIM 616488.
Inborn genetic diseases. Identifiers: MedGen C0950123, MeSH D030342.

Allele frequency attached by ClinVar (database versions not stated): gnomAD exomes 0.00008 and 0.00011; TOPMed 0.00008; gnomAD 0.00015 and 0.00016; ExAC 0.00018.
gnomAD v4.1: 133 of 1,604,396 alleles (0.0083%); highest among the groups gnomAD compares: Non-Finnish European, 0.0083%; no homozygotes.

Submissions (6):

Blueprint Genetics
Classification: Uncertain significance. Last evaluated: 2024-11-13. Review status: criteria provided, single submitter. Criteria: ACMG Guidelines, 2015. Collection method: clinical testing. Allele origin: germline.

CeGaT Center for Human Genetics Tuebingen
Classification: Uncertain significance. Last evaluated: 2024-02-01. Review status: criteria provided, single submitter. Criteria: CeGaT Center For Human Genetics Tuebingen Variant Classification Criteria Version 2. Collection method: clinical testing. Allele origin: germline. Affected: yes. Observed: 1 variant allele.
Comment: PRDM12: PM2

Mayo Clinic Laboratories, Mayo Clinic
Classification: Uncertain significance. Last evaluated: 2023-10-13. Review status: criteria provided, single submitter. Criteria: ACMG Guidelines, 2015. Collection method: clinical testing. Allele origin: germline. Observed: 2 variant alleles.
Comment: BP4

Ambry Genetics
Classification: Uncertain significance for Inborn genetic diseases. Last evaluated: 2023-08-10. Review status: criteria provided, single submitter. Criteria: Ambry Variant Classification Scheme 2023. Collection method: clinical testing. Allele origin: germline.

Labcorp Genetics (formerly Invitae), Labcorp
Classification: Uncertain significance for Congenital insensitivity to pain-hypohidrosis syndrome. Last evaluated: 2022-03-20. Review status: criteria provided, single submitter. Criteria: Invitae Variant Classification Sherloc (09022015). Collection method: clinical testing. Allele origin: germline.
Comment: This sequence change replaces asparagine, which is neutral and polar, with aspartic acid, which is acidic and polar, at codon 43 of the PRDM12 protein (p.Asn43Asp). This variant is present in population databases (rs149449772, gnomAD 0.06%). This variant has not been reported in the literature in individuals affected with PRDM12-related conditions. Algorithms developed to predict the effect of missense changes on protein structure and function (SIFT, PolyPhen-2, Align-GVGD) all suggest that this variant is likely to be tolerated. In summary, the available evidence is currently insufficient to determine the role of this variant in disease. Therefore, it has been classified as a Variant of Uncertain Significance.

Breakthrough Genomics
Classification: Uncertain significance. Review status: criteria provided, single submitter. Criteria: ACMG Guidelines, 2015. Collection method: not provided. Allele origin: germline. Inheritance: Autosomal recessive inheritance. Affected: yes.